The following is an entry in ClinVar:

ClinVar aggregate classification (germline): Likely benign. Review status: criteria provided, multiple submitters, no conflicts (2 of 4 stars). 5 submissions from 5 submitters: Likely benign (5). Last evaluated 2024-03-24.

Conditions:
Familial thoracic aortic aneurysm and aortic dissection (TAAD). Also called: Thoracic aortic aneurysms and dissections. Identifiers: Orphanet 91387, MedGen C4707243, MONDO:0019625.
Ehlers-Danlos syndrome, type 4 (EDSVASC). Also called: Ehlers-Danlos syndrome vascular type; Ehlers Danlos syndrome, ecchymotic type; Ehlers Danlos syndrome, arterial type; Ehlers Danlos syndrome, Sack-Barabas type; Ehlers-Danlos Syndrome Type IV. Identifiers: Orphanet 286, MedGen C0268338, MONDO:0017314, OMIM 130050.

Allele frequency attached by ClinVar (database versions not stated): gnomAD exomes below 0.00001; TOPMed 0.00003; gnomAD 0.00006.

Submissions (5):

All of Us Research Program, National Institutes of Health
Classification: Likely benign for Ehlers-Danlos syndrome, type 4. Last evaluated: 2024-03-24. Review status: criteria provided, single submitter. Criteria: ACMG Guidelines, 2015. Collection method: clinical testing. Allele origin: germline. Inheritance: Autosomal dominant inheritance. Observed: 6 variant alleles, 6 heterozygotes.
Comment: This study involves interpretation of variants in research participants for the purpose of population health screening. Participant phenotype was not available at the time of variant classification. Additional details can be found in publication PMID: 35346344, PMCID: PMC8962531

Labcorp Genetics (formerly Invitae), Labcorp
Classification: Likely benign for Ehlers-Danlos syndrome, type 4. Last evaluated: 2023-05-07. Review status: criteria provided, single submitter. Criteria: Invitae Variant Classification Sherloc (09022015). Collection method: clinical testing. Allele origin: germline.

Ambry Genetics
Classification: Likely benign for Familial thoracic aortic aneurysm and aortic dissection. Last evaluated: 2022-06-19. Review status: criteria provided, single submitter. Criteria: Ambry Variant Classification Scheme 2023. Collection method: clinical testing. Allele origin: germline.

Women's Health and Genetics/Laboratory Corporation of America, LabCorp
Classification: Likely benign. Last evaluated: 2020-01-31. Review status: criteria provided, single submitter. Criteria: LabCorp Variant Classification Summary - May 2015. Collection method: clinical testing. Allele origin: germline.

Color Diagnostics, LLC DBA Color Health
Classification: Likely benign for Familial thoracic aortic aneurysm and aortic dissection. Last evaluated: 2019-01-27. Review status: criteria provided, single submitter. Criteria: ACMG Guidelines, 2015. Collection method: clinical testing. Allele origin: germline.

NM_000090.4(COL3A1):c.2913T>G (p.Pro971=)

Gene: COL3A1 (collagen type III alpha 1 chain; plus strand). Cytogenetic location: 2q32.2.
Variant type: single nucleotide variant.
Coding change: c.2913T>G on transcript NM_000090.4 (MANE Select); coding-DNA position 2913, T replaced by G.
Protein change: p.Pro971=; no amino-acid change (proline 971 retained).
Molecular consequence: synonymous variant.
Genome position (GRCh38, 1-based): chr2:189,004,346, T>G. VCF-style: chr2-189004346-T-G. GRCh37 (hg19) VCF-style: chr2-189869072-T-G.
Identifiers: ClinVar variation 459780 (VCV000459780.13), dbSNP rs367872728, ClinGen allele CA62557631.